The following is an entry in ClinVar:

NM_006231.4(POLE):c.2533C>T (p.Gln845Ter)

Gene: POLE (DNA polymerase epsilon, catalytic subunit; minus strand). Cytogenetic location: 12q24.33.
Variant type: single nucleotide variant.
Coding change: c.2533C>T on transcript NM_006231.4 (MANE Select); coding-DNA position 2533, C replaced by T.
Protein change: p.Gln845Ter; replaces glutamine 845 with a stop codon.
Molecular consequence: nonsense.
Genome position (GRCh38, 1-based): chr12:132,664,398, G>A on the plus strand (C>T on the coding strand, the complement: POLE is on the minus strand). VCF-style: chr12-132664398-G-A. GRCh37 (hg19) VCF-style: chr12-133240984-G-A.
Other names: short protein forms Q845*.
Identifiers: ClinVar variation 5027068 (VCV005027068.1).

ClinVar aggregate classification (germline): Uncertain significance (1 of 4 stars; one submission).

Conditions:
Hereditary cancer-predisposing syndrome. Also called: Neoplastic Syndromes, Hereditary; Tumor predisposition; Hereditary neoplastic syndrome; Hereditary Cancer Syndrome. Identifiers: Orphanet 140162, MedGen C0027672, MeSH D009386, MONDO:0015356.

gnomAD v4.1: 1 of 1,614,018 alleles (0.000062%); highest among the groups gnomAD compares: Non-Finnish European, 0.000085%; no homozygotes.

Submission:

Ambry Genetics
Classification: Uncertain significance for Hereditary cancer-predisposing syndrome. Last evaluated: 2026-07-08. Review status: criteria provided, single submitter. Criteria: Ambry Variant Classification Scheme 2023. Collection method: clinical testing. Allele origin: germline.
Comment: The p.Q845* variant (also known as c.2533C>T), located in coding exon 22 of the POLE gene, results from a C to T substitution at nucleotide position 2533. This changes the amino acid from a glutamine to a stop codon within coding exon 22. This alteration is expected to result in loss of function by premature protein truncation or nonsense-mediated mRNA decay. Although biallelic loss of function of POLE has been associated with autosomal recessive POLE deficiency, haploinsufficiency of POLE has not been established as a mechanism of disease for POLE-related polymerase proofreading-associated polyposis (PPAP) and POLE-related CMMRD-like syndrome. Based on the supporting evidence, this variant is expected to be causative of POLE deficiency when present along with a second pathogenic variant on the other allele; however, its clinical significance for PPAP and POLE-related CMMRD-like syndrome is unclear.